The following is an entry in ClinVar:

ClinVar aggregate classification (germline): Uncertain significance (1 of 4 stars; one submission).

Submission:

GeneDx
Classification: Uncertain significance. Last evaluated: 2024-03-07. Review status: criteria provided, single submitter. Criteria: GeneDx Variant Classification Process June 2021. Collection method: clinical testing. Allele origin: germline. Affected: yes.
Comment: Not observed in large population cohorts (gnomAD); In silico analysis, which includes protein predictors and evolutionary conservation, supports a deleterious effect; Has not been previously published as pathogenic or benign to our knowledge

NM_005477.3(HCN4):c.761T>C (p.Ile254Thr)

Gene: HCN4 (hyperpolarization activated cyclic nucleotide gated potassium channel 4; minus strand). Cytogenetic location: 15q24.1.
Variant type: single nucleotide variant.
Coding change: c.761T>C on transcript NM_005477.3 (MANE Select); coding-DNA position 761, T replaced by C.
Protein change: p.Ile254Thr; replaces isoleucine 254 with threonine.
Molecular consequence: missense variant.
Genome position (GRCh38, 1-based): chr15:73,367,510, A>G on the plus strand (T>C on the coding strand, the complement: HCN4 is on the minus strand). VCF-style: chr15-73367510-A-G. GRCh37 (hg19) VCF-style: chr15-73659851-A-G.
Other names: short protein forms I254T.
Identifiers: ClinVar variation 1304279 (VCV001304279.3), dbSNP rs2151228367, ClinGen allele CA393096996.
Genomic context (GRCh38, chr15:73,367,510, plus strand): 5'-CAGGGCACCCACAGGATCATCGCTGTGGCCCCTTACCTGAAGTCACTGTAGGGGTGGATA[A>G]TCCAAAATCCGGCCGACTTGACCCTCTCCTGTTCGCGCTCCACGGCTTTCTGGCTGCCGA-3'
Protein context (NP_005468.1, residues 244-264): QERVKSAGFW[Ile254Thr]IHPYSDFRFY